The following is an entry in ClinVar:

ClinVar aggregate classification (germline): Uncertain significance. Review status: criteria provided, multiple submitters, no conflicts (2 of 4 stars). 2 submissions from 2 submitters: Uncertain significance (2). Last evaluated 2023-01-31.

Conditions:
Cardiovascular phenotype. Identifiers: MedGen CN230736.
Long QT syndrome (LQTS). Identifiers: MedGen C0023976, MeSH D008133, MONDO:0002442. Disease mechanism: loss of function. Inheritance: Various modes of inheritance.

Submissions (2):

Ambry Genetics
Classification: Uncertain significance for Cardiovascular phenotype. Last evaluated: 2023-01-31. Review status: criteria provided, single submitter. Criteria: Ambry Variant Classification Scheme 2023. Collection method: clinical testing. Allele origin: germline.
Comment: The c.547delG variant, located in coding exon 5 of the AKAP9 gene, results from a deletion of one nucleotide at nucleotide position 547, causing a translational frameshift with a predicted alternate stop codon (p.V183Lfs*25). This alteration is expected to result in loss of function by premature protein truncation or nonsense-mediated mRNA decay. However, the evidence for this gene-disease relationship is limited; therefore, the clinical significance of this alteration is unclear.

Labcorp Genetics (formerly Invitae), Labcorp
Classification: Uncertain significance for Long QT syndrome. Last evaluated: 2022-10-14. Review status: criteria provided, single submitter. Criteria: Invitae Variant Classification Sherloc (09022015). Collection method: clinical testing. Allele origin: germline.
Comment: In summary, the available evidence is currently insufficient to determine the role of this variant in disease. Therefore, it has been classified as a Variant of Uncertain Significance. This variant has not been reported in the literature in individuals affected with AKAP9-related conditions. This variant is not present in population databases (gnomAD no frequency). This sequence change creates a premature translational stop signal (p.Val183Leufs*25) in the AKAP9 gene. It is expected to result in an absent or disrupted protein product. However, the current clinical and genetic evidence is not sufficient to establish whether loss-of-function variants in AKAP9 cause disease.

NM_005751.5(AKAP9):c.547del (p.Val183fs)

Gene: AKAP9 (A-kinase anchoring protein 9; plus strand). Cytogenetic location: 7q21.2.
Variant type: Deletion.
Coding change: c.547del on transcript NM_005751.5 (MANE Select); coding-DNA position 547, one base deleted (G; older notation c.547delG).
Protein change: p.Val183fs; shifts the reading frame from valine 183.
Molecular consequence: frameshift variant.
Genome position (GRCh38, 1-based): chr7:91,993,026, G deleted; the last of 3 consecutive G bases (chr7:91,993,024-91,993,026); deleting any one gives the same sequence. VCF-style (leftmost placement, unchanged base first): chr7-91993023-AG-A. GRCh37 (hg19) VCF-style: chr7-91622337-AG-A.
Other names: c.547del, p.Val183fs (NM_147185.3); short protein forms V183fs.
Identifiers: ClinVar variation 1972992 (VCV001972992.7), dbSNP rs2484666480, ClinGen allele CA2578934995.